The following is an entry in ClinVar:

ClinVar aggregate classification (germline): Uncertain significance (1 of 4 stars; one submission).

Conditions:
Tall stature-scoliosis-macrodactyly of the great toes syndrome. Also called: Epiphyseal chondrodysplasia, miura type. Identifiers: Orphanet 329191, MedGen C4014690, MONDO:0014401, OMIM 615923.
Acromesomelic dysplasia 1, Maroteaux type (AMD1). Also called: ST. HELENA DYSPLASIA; ACROMESOMELIC DYSPLASIA 1. Identifiers: Orphanet 40, MedGen C1864356, MONDO:0011275, OMIM 602875.

Submission:

Labcorp Genetics (formerly Invitae), Labcorp
Classification: Uncertain significance for Tall stature-scoliosis-macrodactyly of the great toes syndrome; Acromesomelic dysplasia 1, Maroteaux type. Last evaluated: 2021-11-02. Review status: criteria provided, single submitter. Criteria: Invitae Variant Classification Sherloc (09022015). Collection method: clinical testing. Allele origin: germline.
Comment: This sequence change replaces leucine, which is neutral and non-polar, with tryptophan, which is neutral and slightly polar, at codon 615 of the NPR2 protein (p.Leu615Trp). This variant is not present in population databases (gnomAD no frequency). This variant has not been reported in the literature in individuals affected with NPR2-related conditions. ClinVar contains an entry for this variant (Variation ID: 1019606). Algorithms developed to predict the effect of missense changes on protein structure and function (SIFT, PolyPhen-2, Align-GVGD) all suggest that this variant is likely to be disruptive. In summary, the available evidence is currently insufficient to determine the role of this variant in disease. Therefore, it has been classified as a Variant of Uncertain Significance.

NM_003995.4(NPR2):c.1844T>G (p.Leu615Trp)

Gene: NPR2 (natriuretic peptide receptor 2; plus strand). Cytogenetic location: 9p13.3.
Variant type: single nucleotide variant.
Coding change: c.1844T>G on transcript NM_003995.4 (MANE Select); coding-DNA position 1844, T replaced by G.
Protein change: p.Leu615Trp; replaces leucine 615 with tryptophan.
Molecular consequence: missense variant.
Genome position (GRCh38, 1-based): chr9:35,802,760, T>G. VCF-style: chr9-35802760-T-G. GRCh37 (hg19) VCF-style: chr9-35802757-T-G.
Other names: c.1853T>G, p.Leu618Trp (NM_001378923.1); short protein forms L615W, L618W.
Identifiers: ClinVar variation 1019606 (VCV001019606.7), dbSNP rs1828223846, ClinGen allele CA373375271.